The following is an entry in ClinVar:

NM_003482.4(KMT2D):c.8314C>T (p.Leu2772Phe)

Gene: KMT2D (lysine methyltransferase 2D; minus strand). Cytogenetic location: 12q13.12.
Variant type: single nucleotide variant.
Coding change: c.8314C>T on transcript NM_003482.4 (MANE Select); coding-DNA position 8314, C replaced by T.
Protein change: p.Leu2772Phe; replaces leucine 2772 with phenylalanine.
Molecular consequence: missense variant.
Genome position (GRCh38, 1-based): chr12:49,039,274, G>A on the plus strand (C>T on the coding strand, the complement: KMT2D is on the minus strand). VCF-style: chr12-49039274-G-A. GRCh37 (hg19) VCF-style: chr12-49433057-G-A.
Other names: short protein forms L2772F.
Identifiers: ClinVar variation 1914450 (VCV001914450.5), dbSNP rs1054610404, ClinGen allele CA236646101.
Genomic context (GRCh38, chr12:49,039,274, plus strand): 5'-AGCCTCACCGGCTGTTCACATCCATAGAGGAAGGCGTGGCTGGTGGAGGTGGCCGGGAGA[G>A]TCGGTCATCGCTAGGGAAGGACCCTGGCCCCAGGATGGGGCCACTCAGCTTGCTTGGGGG-3'
Protein context (NP_003473.3, residues 2762-2782): GPGSFPSDDR[Leu2772Phe]SRPPPPATPS

ClinVar aggregate classification (germline): Uncertain significance (1 of 4 stars; one submission).

Conditions:
Kabuki syndrome. Also called: NIIKAWA-KUROKI SYNDROME; Kabuki make-up syndrome. Identifiers: Orphanet 2322, MedGen C0796004, MONDO:0016512.

Allele frequency attached by ClinVar (database versions not stated): gnomAD exomes below 0.00001.
gnomAD v4.1: 4 of 1,613,654 alleles (0.00025%); highest among the groups gnomAD compares: Non-Finnish European, 0.00025%; no homozygotes.

Submission:

Labcorp Genetics (formerly Invitae), Labcorp
Classification: Uncertain significance for Kabuki syndrome. Last evaluated: 2022-02-01. Review status: criteria provided, single submitter. Criteria: Invitae Variant Classification Sherloc (09022015). Collection method: clinical testing. Allele origin: germline.
Comment: This variant has not been reported in the literature in individuals affected with KMT2D-related conditions. This variant is not present in population databases (gnomAD no frequency). This sequence change replaces leucine, which is neutral and non-polar, with phenylalanine, which is neutral and non-polar, at codon 2772 of the KMT2D protein (p.Leu2772Phe). Advanced modeling of protein sequence and biophysical properties (such as structural, functional, and spatial information, amino acid conservation, physicochemical variation, residue mobility, and thermodynamic stability) performed at Invitae indicates that this missense variant is not expected to disrupt KMT2D protein function. In summary, the available evidence is currently insufficient to determine the role of this variant in disease. Therefore, it has been classified as a Variant of Uncertain Significance.